The following is an entry in ClinVar:

ClinVar aggregate classification (germline): Uncertain significance. Review status: criteria provided, multiple submitters, no conflicts (2 of 4 stars). 8 submissions from 8 submitters: Uncertain significance (7). 1 of the submissions does not count toward it. Last evaluated 2026-09-21.

Conditions:
AHI1-related disorder. Also called: AHI1-related condition.
Inborn genetic diseases. Identifiers: MedGen C0950123, MeSH D030342.
Retinal dystrophy. Also called: Inherited retinal dystrophy. Identifiers: Orphanet 71862, MedGen C0854723, MeSH D058499, MONDO:0019118, HP:0000556.
Joubert syndrome 3 (JBTS3). Also called: AHI1-related Ciliopathy. Identifiers: Orphanet 220493, MedGen C1837713, MONDO:0012078, OMIM 608629.
Joubert syndrome. Also called: Familial aplasia of the vermis; JOUBERT-BOLTSHAUSER SYNDROME. Identifiers: Orphanet 475, MedGen C5979921, MONDO:0018772.

Allele frequency attached by ClinVar (database versions not stated): TOPMed 0.00009; gnomAD 0.00016; ExAC 0.00017; ESP Exome Variant Server 0.00025.
gnomAD v4.1: 203 of 1,613,878 alleles (0.013%); highest among the groups gnomAD compares: Non-Finnish European, 0.015%; no homozygotes.

Submissions (8):

PreventionGenetics, part of Exact Sciences
Classification: Uncertain significance for AHI1-related condition. Last evaluated: 2026-09-21. Review status: criteria provided, single submitter. Criteria: ACMG Guidelines, 2015. Collection method: clinical testing. Allele origin: germline.

GeneDx
Classification: Uncertain significance. Last evaluated: 2025-06-13. Review status: criteria provided, single submitter. Criteria: GeneDx Variant Classification Process June 2021. Collection method: clinical testing. Allele origin: germline. Affected: yes.
Comment: In silico analysis suggests that this missense variant does not alter protein structure/function; Has not been previously published as pathogenic or benign to our knowledge

Blueprint Genetics
Classification: Uncertain significance. Last evaluated: 2024-08-13. Review status: criteria provided, single submitter. Criteria: ACMG Guidelines, 2015. Collection method: clinical testing. Allele origin: germline.

Labcorp Genetics (formerly Invitae), Labcorp
Classification: Uncertain significance for Joubert syndrome. Last evaluated: 2022-10-28. Review status: criteria provided, single submitter. Criteria: Invitae Variant Classification Sherloc (09022015). Collection method: clinical testing. Allele origin: germline.
Comment: This sequence change replaces leucine, which is neutral and non-polar, with methionine, which is neutral and non-polar, at codon 345 of the AHI1 protein (p.Leu345Met). This variant is present in population databases (rs200927282, gnomAD 0.03%). This variant has not been reported in the literature in individuals affected with AHI1-related conditions. ClinVar contains an entry for this variant (Variation ID: 198882). Advanced modeling of protein sequence and biophysical properties (such as structural, functional, and spatial information, amino acid conservation, physicochemical variation, residue mobility, and thermodynamic stability) performed at Invitae indicates that this missense variant is not expected to disrupt AHI1 protein function. In summary, the available evidence is currently insufficient to determine the role of this variant in disease. Therefore, it has been classified as a Variant of Uncertain Significance.

Ambry Genetics
Classification: Uncertain significance for Inborn genetic diseases. Last evaluated: 2021-11-12. Review status: criteria provided, single submitter. Criteria: Ambry Variant Classification Scheme 2023. Collection method: clinical testing. Allele origin: germline.

Illumina Laboratory Services, Illumina
Classification: Uncertain significance for Joubert syndrome 3. Last evaluated: 2018-01-13. Review status: criteria provided, single submitter. Criteria: ICSL Variant Classification Criteria 13 December 2019. Collection method: clinical testing. Allele origin: germline.

Eurofins Ntd Llc (ga)
Classification: Uncertain significance. Last evaluated: 2015-06-03. Review status: criteria provided, single submitter. Criteria: EGL Classification Definitions 2015. Collection method: clinical testing. Allele origin: germline. Observed: 1 variant allele, 1 heterozygote.

Institute of Human Genetics, Univ. Regensburg, Univ. Regensburg
Classification: Uncertain significance for Retinal dystrophy. Last evaluated: 2023-01-01. Review status: no assertion criteria provided. Criteria: ACMG Guidelines, 2015. Collection method: clinical testing. Allele origin: germline. Affected: yes. Not counted in ClinVar's aggregate classification.

NM_001134831.2(AHI1):c.1033T>A (p.Leu345Met)

Gene: AHI1 (Abelson helper integration site 1; minus strand). Cytogenetic location: 6q23.3.
Variant type: single nucleotide variant.
Coding change: c.1033T>A on transcript NM_001134831.2 (MANE Select); coding-DNA position 1033, T replaced by A.
Protein change: p.Leu345Met; replaces leucine 345 with methionine.
Molecular consequence: missense variant.
Genome position (GRCh38, 1-based): chr6:135,457,612, A>T on the plus strand (T>A on the coding strand, the complement: AHI1 is on the minus strand). VCF-style: chr6-135457612-A-T. GRCh37 (hg19) VCF-style: chr6-135778750-A-T.
Other names: c.1033T>A, p.Leu345Met (NM_001134830.2, NM_001134832.2, NM_001350503.2 and 2 more transcripts); short protein forms L345M.
Identifiers: ClinVar variation 198882 (VCV000198882.20), dbSNP rs200927282, ClinGen allele CA247748.